The following is an entry in ClinVar:

NM_002197.3(ACO1):c.1329G>A (p.Pro443=)

Gene: ACO1 (aconitase 1; plus strand). Cytogenetic location: 9p21.1.
Variant type: single nucleotide variant.
Coding change: c.1329G>A on transcript NM_002197.3 (MANE Select); coding-DNA position 1329, G replaced by A.
Protein change: p.Pro443=; no amino-acid change (proline 443 retained).
Molecular consequence: synonymous variant.
Genome position (GRCh38, 1-based): chr9:32,425,978, G>A. VCF-style: chr9-32425978-G-A. GRCh37 (hg19) VCF-style: chr9-32425976-G-A.
Other names: p.Pro443=; c.1329G>A (NM_001278352.1); c.1329G>A, p.Pro443= (NM_001278352.2, NM_001362840.2).
Identifiers: ClinVar variation 732276 (VCV000732276.5), dbSNP rs112535632, ClinGen allele CA5018894.

ClinVar aggregate classification (germline): Benign/Likely benign. Review status: criteria provided, multiple submitters, no conflicts (2 of 4 stars). 3 submissions from 3 submitters: Benign (2); Likely benign (1). Last evaluated 2024-10-17.

Allele frequency attached by ClinVar (database versions not stated): ExAC 0.00054; ESP Exome Variant Server 0.00138; gnomAD 0.00156 and 0.00144; 1000 Genomes Project 0.00160; 1000 Genomes Project 30x 0.00156; TOPMed 0.00176; gnomAD exomes 0.00027 and 0.00047.
gnomAD v4.1: 648 of 1,613,686 alleles (0.04%); highest among the groups gnomAD compares: African/African-American, 0.5%; 3 homozygotes.

Submissions (3):

Mayo Clinic Laboratories, Mayo Clinic
Classification: Likely benign. Last evaluated: 2024-10-17. Review status: criteria provided, single submitter. Criteria: ACMG Guidelines, 2015. Collection method: clinical testing. Allele origin: germline. Observed: 1 variant allele.
Comment: BP4, BP7

Labcorp Genetics (formerly Invitae), Labcorp
Classification: Benign. Last evaluated: 2018-04-24. Review status: criteria provided, single submitter. Criteria: Invitae Variant Classification Sherloc (09022015). Collection method: clinical testing. Allele origin: germline.

Breakthrough Genomics
Classification: Benign. Review status: criteria provided, single submitter. Criteria: ACMG Guidelines, 2015. Collection method: not provided. Allele origin: germline. Inheritance: Unknown mechanism. Affected: yes.